The following is an entry in ClinVar:

NM_000455.5(STK11):c.*17-87C>T

Gene: STK11 (serine/threonine kinase 11; plus strand). Cytogenetic location: 19p13.3.
Variant type: single nucleotide variant.
Coding change: c.*17-87C>T on transcript NM_000455.5 (MANE Select); 87 bases into the intron before 17 bases downstream of the stop codon, C replaced by T.
Molecular consequence: intron variant.
Genome position (GRCh38, 1-based): chr19:1,227,506, C>T. VCF-style: chr19-1227506-C-T. GRCh37 (hg19) VCF-style: chr19-1227505-C-T.
Identifiers: ClinVar variation 676648 (VCV000676648.2), dbSNP rs7259447, ClinGen allele CA14709345.

ClinVar aggregate classification (germline): Benign. Review status: criteria provided, multiple submitters, no conflicts (2 of 4 stars). 2 submissions from 2 submitters: Benign (2). Last evaluated 2018-06-18.

Allele frequency attached by ClinVar (database versions not stated): gnomAD exomes 0.00511; gnomAD 0.03375 and 0.03600; TOPMed 0.03719; 1000 Genomes Project 0.03754; 1000 Genomes Project 30x 0.03982.
gnomAD v4.1: 9,892 of 1,058,730 alleles (0.93%); highest among the groups gnomAD compares: African/African-American, 11%; 395 homozygotes.

Submissions (2):

GeneDx
Classification: Benign. Last evaluated: 2018-06-18. Review status: criteria provided, single submitter. Criteria: GeneDx Variant Classification (06012015). Collection method: clinical testing. Allele origin: germline. Affected: yes.
Comment: This variant is considered likely benign or benign based on one or more of the following criteria: it is a conservative change, it occurs at a poorly conserved position in the protein, it is predicted to be benign by multiple in silico algorithms, and/or has population frequency not consistent with disease.

Breakthrough Genomics
Classification: Benign. Review status: criteria provided, single submitter. Criteria: ACMG Guidelines, 2015. Collection method: not provided. Allele origin: germline. Inheritance: Autosomal dominant inheritance. Affected: yes.